The following is an entry in ClinVar:

NM_001367624.2(ZNF469):c.8302A>G (p.Lys2768Glu)

Gene: ZNF469 (zinc finger protein 469; plus strand). Cytogenetic location: 16q24.2.
Variant type: single nucleotide variant.
Coding change: c.8302A>G on transcript NM_001367624.2 (MANE Select); coding-DNA position 8302, A replaced by G.
Protein change: p.Lys2768Glu; replaces lysine 2768 with glutamic acid.
Molecular consequence: missense variant.
Genome position (GRCh38, 1-based): chr16:88,435,772, A>G. VCF-style: chr16-88435772-A-G. GRCh37 (hg19) VCF-style: chr16-88502180-A-G.
Other names: NM_001127464.1:c.8218A>G; short protein forms K2768E.
Identifiers: ClinVar variation 1762490 (VCV001762490.3), dbSNP rs561418885, ClinGen allele CA8225324.

ClinVar aggregate classification (germline): Uncertain significance. Review status: criteria provided, multiple submitters, no conflicts (2 of 4 stars). 2 submissions from 2 submitters: Uncertain significance (2). Last evaluated 2024-07-23.

Conditions:
Cardiovascular phenotype. Identifiers: MedGen CN230736.

Allele frequency attached by ClinVar (database versions not stated): TOPMed 0.00001; gnomAD 0.00003; ExAC 0.00005; 1000 Genomes Project 30x 0.00062; 1000 Genomes Project 0.00080.
gnomAD v4.1: 16 of 1,550,748 alleles (0.001%); highest among the groups gnomAD compares: South Asian, 0.017%; no homozygotes.

Submissions (2):

GeneDx
Classification: Uncertain significance. Last evaluated: 2024-07-23. Review status: criteria provided, single submitter. Criteria: GeneDx Variant Classification Process June 2021. Collection method: clinical testing. Allele origin: germline. Affected: yes.
Comment: Not observed at significant frequency in large population cohorts (gnomAD); In silico analysis indicates that this missense variant does not alter protein structure/function; Has not been previously published as pathogenic or benign to our knowledge

Ambry Genetics
Classification: Uncertain significance for Cardiovascular phenotype. Last evaluated: 2022-03-03. Review status: criteria provided, single submitter. Criteria: Ambry Variant Classification Scheme 2023. Collection method: clinical testing. Allele origin: germline.
Comment: The p.K2740E variant (also known as c.8218A>G), located in coding exon 2 of the ZNF469 gene, results from an A to G substitution at nucleotide position 8218. The lysine at codon 2740 is replaced by glutamic acid, an amino acid with similar properties. This amino acid position is conserved. In addition, this alteration is predicted to be tolerated by in silico analysis. Since supporting evidence is limited at this time, the clinical significance of this alteration remains unclear.